The following is an entry in ClinVar:

ClinVar aggregate classification (germline): Uncertain significance (1 of 4 stars; one submission).

Allele frequency attached by ClinVar (database versions not stated): gnomAD 0.00001; TOPMed 0.00001; ExAC 0.00003; gnomAD exomes 0.00004.
gnomAD v4.1: 12 of 1,613,928 alleles (0.00074%); highest among the groups gnomAD compares: Admixed American, 0.02%; no homozygotes.

Submission:

Labcorp Genetics (formerly Invitae), Labcorp
Classification: Uncertain significance. Last evaluated: 2021-08-31. Review status: criteria provided, single submitter. Criteria: Invitae Variant Classification Sherloc (09022015). Collection method: clinical testing. Allele origin: germline.
Comment: This sequence change replaces valine with leucine at codon 2828 of the FAT1 protein (p.Val2828Leu). The valine residue is highly conserved and there is a small physicochemical difference between valine and leucine. This variant is present in population databases (rs754757646, ExAC 0.03%). This variant has not been reported in the literature in individuals affected with FAT1-related conditions. Algorithms developed to predict the effect of missense changes on protein structure and function (SIFT, PolyPhen-2, Align-GVGD) all suggest that this variant is likely to be disruptive. In summary, the available evidence is currently insufficient to determine the role of this variant in disease. Therefore, it has been classified as a Variant of Uncertain Significance.

NM_005245.4(FAT1):c.8482G>T (p.Val2828Leu)

Genes: FAT1 (FAT atypical cadherin 1; minus strand), LOC126807255 (BRD4-independent group 4 enhancer GRCh37_chr4:187538202-187539401; plus strand). Cytogenetic location: 4q35.2.
Variant type: single nucleotide variant.
Coding change: c.8482G>T on transcript NM_005245.4 (MANE Select); coding-DNA position 8482, G replaced by T.
Protein change: p.Val2828Leu; replaces valine 2828 with leucine.
Molecular consequence: missense variant.
Genome position (GRCh38, 1-based): chr4:186,618,104, C>A on the plus strand (G>T on the coding strand, the complement: FAT1 is on the minus strand). VCF-style: chr4-186618104-C-A. GRCh37 (hg19) VCF-style: chr4-187539258-C-A.
Other names: short protein forms V2828L.
Identifiers: ClinVar variation 1408514 (VCV001408514.5), dbSNP rs754757646, ClinGen allele CA3165875.
Genomic context (GRCh38, chr4:186,618,104, plus strand): 5'-GGCTATACATAACTTGGCCGTTGGTTCCTGAGTCAGCATCAGATGCCCTGATCTGAATTA[C>A]TCTACTTCCCCCTGGCAGGTTTTCAACAATGAATGCCTCATATGGACTAGATTCAAAGAC-3'
Protein context (NP_005236.2, residues 2818-2838): IVENLPGGSR[Val2828Leu]IQIRASDADS